The following is an entry in ClinVar:

ClinVar aggregate classification (germline): Conflicting classifications of pathogenicity. Review status: criteria provided, conflicting classifications (1 of 4 stars). 4 submissions from 4 submitters: Likely pathogenic (1); Uncertain significance (3). Last evaluated 2023-07-26.

Conditions:
Abnormal brain morphology. Also called: Abnormality of brain morphology. Identifiers: MedGen C4021085, HP:0012443.
46,XY sex reversal 11. Also called: ANORCHIA, FAMILIAL; TESTICULAR REGRESSION, EMBRYONIC; Vanishing testis; Testicular regression syndrome. Identifiers: Orphanet 983, MedGen C0266427, MONDO:8000015, OMIM 273250, HP:0012870.
Neurodevelopmental disorder with brain anomalies and with or without vertebral or cardiac anomalies. Identifiers: MedGen C5231481, MONDO:0032888, OMIM 618731.

Allele frequency attached by ClinVar (database versions not stated): ExAC 0.00001; gnomAD 0.00004 and 0.00005; gnomAD exomes 0.00004; TOPMed 0.00004.
gnomAD v4.1: 73 of 1,613,652 alleles (0.0045%); highest among the groups gnomAD compares: South Asian, 0.0066%; no homozygotes.

Submissions (4):

Baylor Genetics
Classification: Uncertain significance for Neurodevelopmental disorder with brain anomalies and with or without vertebral or cardiac anomalies. Last evaluated: 2023-07-26. Review status: criteria provided, single submitter. Criteria: ACMG Guidelines, 2015. Collection method: clinical testing. Allele origin: unknown.

GeneDx
Classification: Uncertain significance. Last evaluated: 2023-07-03. Review status: criteria provided, single submitter. Criteria: GeneDx Variant Classification Process June 2021. Collection method: clinical testing. Allele origin: germline. Affected: yes.
Comment: In silico analysis supports that this missense variant has a deleterious effect on protein structure/function; This variant is associated with the following publications: (PMID: 26539891, 34293745)

MGZ Medical Genetics Center
Classification: Uncertain significance for 46,XY sex reversal 11. Last evaluated: 2022-04-27. Review status: criteria provided, single submitter. Criteria: ACMG Guidelines, 2015. Collection method: clinical testing. Allele origin: germline. Affected: yes. Observed: 1 variant allele.
Comment: ACMG criteria applied: PM3, PS4_SUP, PM2_SUP

Lupski Lab, Baylor-Hopkins CMG, Baylor College of Medicine
Classification: Likely pathogenic for Abnormal brain morphology. Review status: criteria provided, single submitter. Criteria: Karaca et al. (Neuron 2015). Collection method: research. Allele origin: inherited. Inheritance: Autosomal recessive inheritance. Affected: yes.
Comment: There is one more families with similar phenotype

NM_032656.4(DHX37):c.1460G>A (p.Arg487His)

Gene: DHX37 (DEAH-box helicase 37; minus strand). Cytogenetic location: 12q24.31.
Variant type: single nucleotide variant.
Coding change: c.1460G>A on transcript NM_032656.4 (MANE Select); coding-DNA position 1460, G replaced by A.
Protein change: p.Arg487His; replaces arginine 487 with histidine.
Molecular consequence: missense variant.
Genome position (GRCh38, 1-based): chr12:124,967,167, C>T on the plus strand (G>A on the coding strand, the complement: DHX37 is on the minus strand). VCF-style: chr12-124967167-C-T. GRCh37 (hg19) VCF-style: chr12-125451713-C-T.
Other names: c.1460G>A (NM_032656.3); short protein forms R487H.
Identifiers: ClinVar variation 402138 (VCV000402138.6), dbSNP rs779613772, ClinGen allele CA6872021.
Genomic context (GRCh38, chr12:124,967,167, plus strand): 5'-GGGGCGTCCTCTTTACCTTGTGGCCGGGCTCTGGAGGGTGGGAAAGCCTTCCTGAGCCTG[C>T]GGCACAGCGCATGCACCTCAGCCTGCCCCGTCAGGAACACCAGGATGCCACCTGTGGAAA-3'
Protein context (NP_116045.2, residues 477-497): TGQAEVHALC[Arg487His]RLRKAFPPSR